The following is an entry in ClinVar:

NM_000540.3(RYR1):c.4650C>T (p.Ala1550=)

Gene: RYR1 (ryanodine receptor 1; plus strand). Cytogenetic location: 19q13.2.
Variant type: single nucleotide variant.
Coding change: c.4650C>T on transcript NM_000540.3 (MANE Select); coding-DNA position 4650, C replaced by T.
Protein change: p.Ala1550=; no amino-acid change (alanine 1550 retained).
Molecular consequence: synonymous variant.
Genome position (GRCh38, 1-based): chr19:38,483,056, C>T. VCF-style: chr19-38483056-C-T. GRCh37 (hg19) VCF-style: chr19-38973696-C-T.
Other names: c.4650C>T, p.Ala1550= (NM_001042723.2).
Identifiers: ClinVar variation 256517 (VCV000256517.18), dbSNP rs200600174, ClinGen allele CA066336.

ClinVar aggregate classification (germline): Conflicting classifications of pathogenicity. Review status: criteria provided, conflicting classifications (1 of 4 stars). 8 submissions from 6 submitters: Uncertain significance (3); Likely benign (5). Last evaluated 2025-11-22.

Conditions:
RYR1-related disorder. Also called: RYR1-related condition; RYR1-related disorders. Identifiers: MedGen CN239331.
Congenital multicore myopathy with external ophthalmoplegia (CMYO1B). Also called: Congenital myopathy 1B, autosomal recessive; Minicore myopathy; MULTIMINICORE DISEASE WITH EXTERNAL OPHTHALMOPLEGIA; MULTICORE MYOPATHY; Minicore myopathy with external ophthalmoplegia. Identifiers: Orphanet 598, Orphanet 98905, MedGen C1850674, MONDO:0009712, OMIM 255320, HP:0003789.
Central core myopathy (CMYO1A). Also called: Central core disease; Myopathy, central fibrillar; CONGENITAL MYOPATHY 1A, AUTOSOMAL DOMINANT, WITH SUSCEPTIBILITY TO MALIGNANT HYPERTHERMIA. Identifiers: Orphanet 597, MedGen C5830701, MONDO:0007294, OMIM 117000.
Malignant hyperthermia, susceptibility to, 1 (MHS1). Also called: RYR1-Related Malignant Hyperthermia Susceptibility; Anesthesia related hyperthermia; Malignant hyperpyrexia; Fulminating hyperpyrexia; Pharmacogenic myopathy; Malignant hyperthermia suceptibility 1. Identifiers: Orphanet 423, MedGen C2930980, MONDO:0007783, OMIM 145600.

Allele frequency attached by ClinVar (database versions not stated): gnomAD 0.00001; gnomAD exomes 0.00001 and 0.00003; TOPMed 0.00001; ESP Exome Variant Server 0.00008; ExAC 0.00004.

Submissions (8):

Labcorp Genetics (formerly Invitae), Labcorp
Classification: Likely benign for RYR1-related disorder. Last evaluated: 2025-11-22. Review status: criteria provided, single submitter. Criteria: Invitae Variant Classification Sherloc (09022015). Collection method: clinical testing. Allele origin: germline.

Women's Health and Genetics/Laboratory Corporation of America, LabCorp
Classification: Likely benign. Last evaluated: 2024-07-02. Review status: criteria provided, single submitter. Criteria: LabCorp Variant Classification Summary - May 2015. Collection method: clinical testing. Allele origin: germline.

All of Us Research Program, National Institutes of Health
Classification: Likely benign for Malignant hyperthermia, susceptibility to, 1. Last evaluated: 2023-12-18. Review status: criteria provided, single submitter. Criteria: ACMG Guidelines, 2015. Collection method: clinical testing. Allele origin: germline. Inheritance: Autosomal dominant inheritance. Observed: 3 variant alleles, 3 heterozygotes.
Comment: This study involves interpretation of variants in research participants for the purpose of population health screening. Participant phenotype was not available at the time of variant classification. Additional details can be found in publication PMID: 35346344, PMCID: PMC8962531

Color Diagnostics, LLC DBA Color Health
Classification: Likely benign for Malignant hyperthermia, susceptibility to, 1. Last evaluated: 2022-11-06. Review status: criteria provided, single submitter. Criteria: ACMG Guidelines, 2015. Collection method: clinical testing. Allele origin: germline.

Illumina Laboratory Services, Illumina
Classification: Uncertain significance for Congenital multicore myopathy with external ophthalmoplegia. Last evaluated: 2018-01-13. Review status: criteria provided, single submitter. Criteria: ICSL Variant Classification Criteria 13 December 2019. Collection method: clinical testing. Allele origin: germline.

Illumina Laboratory Services, Illumina
Classification: Uncertain significance for Malignant hyperthermia, susceptibility to, 1. Last evaluated: 2018-01-13. Review status: criteria provided, single submitter. Criteria: ICSL Variant Classification Criteria 13 December 2019. Collection method: clinical testing. Allele origin: germline.

Illumina Laboratory Services, Illumina
Classification: Uncertain significance for Central core myopathy. Last evaluated: 2018-01-13. Review status: criteria provided, single submitter. Criteria: ICSL Variant Classification Criteria 13 December 2019. Collection method: clinical testing. Allele origin: germline.

PreventionGenetics, part of Exact Sciences
Classification: Likely benign. Review status: criteria provided, single submitter. Criteria: ACMG Guidelines, 2015. Collection method: clinical testing. Allele origin: germline.